The following is an entry in ClinVar:

NM_020822.3(KCNT1):c.417G>A (p.Pro139=)

Gene: KCNT1 (potassium sodium-activated channel subfamily T member 1; plus strand). Cytogenetic location: 9q34.3.
Variant type: single nucleotide variant.
Coding change: c.417G>A on transcript NM_020822.3 (MANE Select); coding-DNA position 417, G replaced by A.
Protein change: p.Pro139=; no amino-acid change (proline 139 retained).
Molecular consequence: synonymous variant.
Genome position (GRCh38, 1-based): chr9:135,751,024, G>A. VCF-style: chr9-135751024-G-A. GRCh37 (hg19) VCF-style: chr9-138642870-G-A.
Other names: c.273G>A, p.Pro91= (NM_001272003.2).
Identifiers: ClinVar variation 386987 (VCV000386987.10), dbSNP rs542441332, ClinGen allele CA16605581.

ClinVar aggregate classification (germline): Likely benign. Review status: criteria provided, multiple submitters, no conflicts (2 of 4 stars). 2 submissions from 2 submitters: Likely benign (2). Last evaluated 2026-01-19.

Conditions:
Developmental and epileptic encephalopathy, 14 (DEE14). Also called: Early infantile epileptic encephalopathy 14. Identifiers: Orphanet 293181, MedGen C3554195, MONDO:0013989, OMIM 614959.
Autosomal dominant nocturnal frontal lobe epilepsy 5. Also called: KCNT1-Related Epilepsy; CILIARY DYSKINESIA, PRIMARY, 28, WITHOUT SITUS INVERSUS; CILIARY DYSKINESIA, PRIMARY, 28, WITH SITUS INVERSUS; Epilepsy, nocturnal frontal lobe, 5. Identifiers: Orphanet 98784, MedGen C3554306, MONDO:0014002, OMIM 615005.

Allele frequency attached by ClinVar (database versions not stated): TOPMed 0.00001.
gnomAD v4.1: 3 of 1,611,602 alleles (0.00019%); highest among the groups gnomAD compares: African/African-American, 0.0013%; no homozygotes.

Submissions (2):

Labcorp Genetics (formerly Invitae), Labcorp
Classification: Likely benign for Autosomal dominant nocturnal frontal lobe epilepsy 5; Developmental and epileptic encephalopathy, 14. Last evaluated: 2026-01-19. Review status: criteria provided, single submitter. Criteria: Invitae Variant Classification Sherloc (09022015). Collection method: clinical testing. Allele origin: germline.

GeneDx
Classification: Likely benign. Last evaluated: 2016-06-14. Review status: criteria provided, single submitter. Criteria: GeneDx Variant Classification (06012015). Collection method: clinical testing. Allele origin: germline. Affected: yes.
Comment: This variant is considered likely benign or benign based on one or more of the following criteria: it is a conservative change, it occurs at a poorly conserved position in the protein, it is predicted to be benign by multiple in silico algorithms, and/or has population frequency not consistent with disease.